The following is an entry in ClinVar:

NM_170606.3(KMT2C):c.9751A>C (p.Ile3251Leu)

Gene: KMT2C (lysine methyltransferase 2C; minus strand). Cytogenetic location: 7q36.1.
Variant type: single nucleotide variant.
Coding change: c.9751A>C on transcript NM_170606.3 (MANE Select); coding-DNA position 9751, A replaced by C.
Protein change: p.Ile3251Leu; replaces isoleucine 3251 with leucine.
Molecular consequence: missense variant.
Genome position (GRCh38, 1-based): chr7:152,163,826, T>G on the plus strand (A>C on the coding strand, the complement: KMT2C is on the minus strand). VCF-style: chr7-152163826-T-G. GRCh37 (hg19) VCF-style: chr7-151860911-T-G.
Other names: short protein forms I3251L.
Identifiers: ClinVar variation 3377629 (VCV003377629.1).
Genomic context (GRCh38, chr7:152,163,826, plus strand): 5'-GCTGCTGTTTGATCCGATAATCTTCAATCAATTCAGCATGTTCTTTCTGTTGTTTACGAA[T>G]CTGGAATAACAAAATGCATCATTACTCATTTCTATACAGCATAGGTACTGAAGTAAAACA-3'
Protein context (NP_733751.2, residues 3241-3261): QSMVQKQLEQ[Ile3251Leu]RKQQKEHAEL

ClinVar aggregate classification (germline): Uncertain significance (1 of 4 stars; one submission).

Conditions:
Kleefstra syndrome 2 (KLEFS2). Identifiers: MedGen C4540395, MONDO:0054701, OMIM 617768.

gnomAD v4.1: 11 of 1,613,544 alleles (0.00068%); highest among the groups gnomAD compares: South Asian, 0.011%; no homozygotes.

Submission:

Neuberg Centre For Genomic Medicine, NCGM
Classification: Uncertain significance for Kleefstra syndrome 2. Review status: criteria provided, single submitter. Criteria: ACMG Guidelines, 2015. Collection method: clinical testing. Allele origin: germline. Inheritance: Autosomal dominant inheritance. Affected: yes.
Comment: The missense variant c.9751A>C (p.Ile3251Leu) in the KMT2C gene has not been reported previously as a pathogenic variant nor as a benign variant, to our knowledge. This variant is reported with the allele frequency (0.002%) in the gnomAD Exomes. The amino acid Ile at position 3251 is changed to a Leu changing protein sequence and it might alter its composition and physico-chemical properties. Multiple lines of computational evidence (Polyphen - Damaging, SIFT - Damaging and MutationTaster - Disease causing) predict a damaging effect on protein structure and function for this variant. The amino acid change p.Ile3251Leu in KMT2C is predicted as conserved by GERP++ and PhyloP across 100 vertebrates. For these reasons, this variant has been classified as Uncertain Significance.